The following is an entry in ClinVar:

ClinVar aggregate classification (germline): Uncertain significance (1 of 4 stars; one submission).

Allele frequency attached by ClinVar (database versions not stated): ExAC 0.00004; TOPMed 0.00008; 1000 Genomes Project 0.00020; gnomAD exomes 0.00003; gnomAD 0.00007; ESP Exome Variant Server 0.00008; 1000 Genomes Project 30x 0.00016.

Submission:

Labcorp Genetics (formerly Invitae), Labcorp
Classification: Uncertain significance. Last evaluated: 2025-08-13. Review status: criteria provided, single submitter. Criteria: Invitae Variant Classification Sherloc (09022015). Collection method: clinical testing. Allele origin: germline.
Comment: This sequence change replaces arginine, which is basic and polar, with cysteine, which is neutral and slightly polar, at codon 227 of the ATPAF2 protein (p.Arg227Cys). This variant is present in population databases (rs201916877, gnomAD 0.02%). This variant has not been reported in the literature in individuals affected with ATPAF2-related conditions. ClinVar contains an entry for this variant (Variation ID: 2970474). Invitae Evidence Modeling of protein sequence and biophysical properties (such as structural, functional, and spatial information, amino acid conservation, physicochemical variation, residue mobility, and thermodynamic stability) indicates that this missense variant is not expected to disrupt ATPAF2 protein function with a negative predictive value of 80%. In summary, the available evidence is currently insufficient to determine the role of this variant in disease. Therefore, it has been classified as a Variant of Uncertain Significance.

NM_145691.4(ATPAF2):c.679C>T (p.Arg227Cys)

Gene: ATPAF2 (ATP synthase mitochondrial F1 complex assembly factor 2; minus strand). Cytogenetic location: 17p11.2.
Variant type: single nucleotide variant.
Coding change: c.679C>T on transcript NM_145691.4 (MANE Select); coding-DNA position 679, C replaced by T.
Protein change: p.Arg227Cys; replaces arginine 227 with cysteine.
Molecular consequence: missense variant.
Genome position (GRCh38, 1-based): chr17:18,021,176, G>A on the plus strand (C>T on the coding strand, the complement: ATPAF2 is on the minus strand). VCF-style: chr17-18021176-G-A. GRCh37 (hg19) VCF-style: chr17-17924490-G-A.
Other names: short protein forms R227C.
Identifiers: ClinVar variation 2970474 (VCV002970474.3), dbSNP rs201916877, ClinGen allele CA8421781.